The following is an entry in ClinVar:

NM_004006.3(DMD):c.2904del (p.Ser968fs)

Gene: DMD (dystrophin; minus strand). Cytogenetic location: Xp21.1.
Variant type: Deletion.
Coding change: c.2904del on transcript NM_004006.3 (MANE Select); coding-DNA position 2904, one base deleted (T; older notation c.2904delT).
Protein change: p.Ser968fs; shifts the reading frame from serine 968.
Molecular consequence: frameshift variant.
Genome position (GRCh38, 1-based): chrX:32,472,209, A deleted on the plus strand (T on the coding strand, the reverse complement: DMD is on the minus strand). VCF-style (leftmost placement, unchanged base first): chrX-32472208-CA-C. GRCh37 (hg19) VCF-style: chrX-32490325-CA-C.
Other names: c.2880del, p.Ser960fs (NM_000109.4); c.2892del, p.Ser964fs (NM_004009.3); c.2535del, p.Ser845fs (NM_004010.3); short protein forms S964fs, S845fs, S968fs, S960fs.
Identifiers: ClinVar variation 3651064 (VCV003651064.2).

ClinVar aggregate classification (germline): Pathogenic (1 of 4 stars; one submission).

Conditions:
Duchenne muscular dystrophy (DMD). Also called: MUSCULAR DYSTROPHY, PSEUDOHYPERTROPHIC PROGRESSIVE, DUCHENNE TYPE; Duchenne Muscular Dystrophy (DMD). Identifiers: Orphanet 98896, MedGen C0013264, MONDO:0010679, OMIM 310200.

Submission:

Labcorp Genetics (formerly Invitae), Labcorp
Classification: Pathogenic for Duchenne muscular dystrophy. Last evaluated: 2024-04-25. Review status: criteria provided, single submitter. Criteria: Invitae Variant Classification Sherloc (09022015). Collection method: clinical testing. Allele origin: germline.
Comment: This sequence change creates a premature translational stop signal (p.Ser968Argfs*36) in the DMD gene. It is expected to result in an absent or disrupted protein product. Loss-of-function variants in DMD are known to be pathogenic (PMID: 16770791, 25007885). This variant is not present in population databases (gnomAD no frequency). This variant has not been reported in the literature in individuals affected with DMD-related conditions. For these reasons, this variant has been classified as Pathogenic.

Literature cited by the submitters: PubMed 16770791; PubMed 25007885.